The following is an entry in ClinVar:

NM_014055.4(IFT81):c.1109C>T (p.Ala370Val)

Gene: IFT81 (intraflagellar transport 81; plus strand). Cytogenetic location: 12q24.11.
Variant type: single nucleotide variant.
Coding change: c.1109C>T on transcript NM_014055.4 (MANE Select); coding-DNA position 1109, C replaced by T.
Protein change: p.Ala370Val; replaces alanine 370 with valine.
Molecular consequence: missense variant. On other transcripts: non-coding transcript variant (4).
Genome position (GRCh38, 1-based): chr12:110,162,986, C>T. VCF-style: chr12-110162986-C-T. GRCh37 (hg19) VCF-style: chr12-110600791-C-T.
Other names: c.1109C>T, p.Ala370Val (NM_001143779.2, NM_001347946.2, NM_031473.4); c.179C>T, p.Ala60Val (NM_001347947.2, NM_001347948.2); c.1109C>T (NM_014055.3); short protein forms A60V, A370V.
Identifiers: ClinVar variation 1394343 (VCV001394343.8), dbSNP rs756300889, ClinGen allele CA6783270.

ClinVar aggregate classification (germline): Uncertain significance. Review status: criteria provided, multiple submitters, no conflicts (2 of 4 stars). 2 submissions from 2 submitters: Uncertain significance (2). Last evaluated 2026-08-05.

Conditions:
IFT81-related disorder. Also called: IFT81-related condition.

Allele frequency attached by ClinVar (database versions not stated): ExAC 0.00001; gnomAD exomes 0.00001 and 0.00004; TOPMed 0.00001.
gnomAD v4.1: 53 of 1,613,778 alleles (0.0033%); highest among the groups gnomAD compares: Non-Finnish European, 0.0043%; no homozygotes.

Submissions (2):

PreventionGenetics, part of Exact Sciences
Classification: Uncertain significance for IFT81-related condition. Last evaluated: 2026-08-05. Review status: criteria provided, single submitter. Criteria: ACMG Guidelines, 2015. Collection method: clinical testing. Allele origin: germline.
Comment: The IFT81 c.1109C>T variant is predicted to result in the amino acid substitution p.Ala370Val. To our knowledge, this variant has not been reported in the literature. This variant is reported in 0.0026% of alleles in individuals of European (Non-Finnish) descent in gnomAD. At this time, the clinical significance of this variant is uncertain due to the absence of conclusive functional and genetic evidence.

Labcorp Genetics (formerly Invitae), Labcorp
Classification: Uncertain significance. Last evaluated: 2024-02-23. Review status: criteria provided, single submitter. Criteria: Invitae Variant Classification Sherloc (09022015). Collection method: clinical testing. Allele origin: germline.
Comment: This sequence change replaces alanine, which is neutral and non-polar, with valine, which is neutral and non-polar, at codon 370 of the IFT81 protein (p.Ala370Val). This variant is present in population databases (rs756300889, gnomAD 0.003%). This variant has not been reported in the literature in individuals affected with IFT81-related conditions. ClinVar contains an entry for this variant (Variation ID: 1394343). Advanced modeling of protein sequence and biophysical properties (such as structural, functional, and spatial information, amino acid conservation, physicochemical variation, residue mobility, and thermodynamic stability) performed at Invitae indicates that this missense variant is not expected to disrupt IFT81 protein function with a negative predictive value of 80%. In summary, the available evidence is currently insufficient to determine the role of this variant in disease. Therefore, it has been classified as a Variant of Uncertain Significance.